The following is an entry in ClinVar:

NM_017686.4(GDAP2):c.757C>T (p.Arg253Ter)

Gene: GDAP2 (ganglioside induced differentiation associated protein 2; minus strand). Cytogenetic location: 1p12.
Variant type: single nucleotide variant.
Coding change: c.757C>T on transcript NM_017686.4 (MANE Select); coding-DNA position 757, C replaced by T.
Protein change: p.Arg253Ter; replaces arginine 253 with a stop codon.
Molecular consequence: nonsense.
Genome position (GRCh38, 1-based): chr1:117,899,096, G>A on the plus strand (C>T on the coding strand, the complement: GDAP2 is on the minus strand). VCF-style: chr1-117899096-G-A. GRCh37 (hg19) VCF-style: chr1-118441718-G-A.
Other names: c.757C>T, p.Arg253Ter (NM_001135589.3); short protein forms R253*.
Identifiers: ClinVar variation 2060050 (VCV002060050.1), dbSNP rs372395282, ClinGen allele CA1031554.
Genomic context (GRCh38, chr1:117,899,096, plus strand): 5'-AGTTAGAGCTCTAGAACTCACCTTCTGGAGCACCAGGTTTCTCACTTATTCTAATCTGTC[G>A]TTCAGGTACCACAGGCTCCCCTTCTGCATTTCCAATATCTGCAGGTAGGTAGGGCAATGA-3'

ClinVar aggregate classification (germline): Pathogenic (1 of 4 stars; one submission).

Allele frequency attached by ClinVar (database versions not stated): ExAC 0.00002; gnomAD exomes 0.00002; ESP Exome Variant Server 0.00008.

Submission:

Labcorp Genetics (formerly Invitae), Labcorp
Classification: Pathogenic. Last evaluated: 2022-07-05. Review status: criteria provided, single submitter. Criteria: Invitae Variant Classification Sherloc (09022015). Collection method: clinical testing. Allele origin: germline.
Comment: This sequence change creates a premature translational stop signal (p.Arg253*) in the GDAP2 gene. It is expected to result in an absent or disrupted protein product. Loss-of-function variants in GDAP2 are known to be pathogenic (PMID: 30084953, 32428220, 32437512). This variant is present in population databases (rs372395282, gnomAD 0.008%). This premature translational stop signal has been observed in individual(s) with spinocerebellar ataxia (PMID: 32437512). For these reasons, this variant has been classified as Pathogenic.

Literature cited by the submitters: PubMed 30084953; PubMed 32428220; PubMed 32437512.